The following is an entry in ClinVar:

NM_002691.4(POLD1):c.3053T>C (p.Val1018Ala)

Gene: POLD1 (DNA polymerase delta 1, catalytic subunit; plus strand). Cytogenetic location: 19q13.33.
Variant type: single nucleotide variant.
Coding change: c.3053T>C on transcript NM_002691.4 (MANE Select); coding-DNA position 3053, T replaced by C.
Protein change: p.Val1018Ala; replaces valine 1018 with alanine.
Molecular consequence: missense variant. On other transcripts: non-coding transcript variant (1).
Genome position (GRCh38, 1-based): chr19:50,416,709, T>C. VCF-style: chr19-50416709-T-C. GRCh37 (hg19) VCF-style: chr19-50919966-T-C.
Other names: c.3053T>C, p.Val1018Ala (NM_001256849.1); c.3131T>C, p.Val1044Ala (NM_001308632.1); short protein forms V1018A, V1044A.
Identifiers: ClinVar variation 1524098 (VCV001524098.8), dbSNP rs2122498293, ClinGen allele CA406987002.
Genomic context (GRCh38, chr19:50,416,709, plus strand): 5'-AGGTGGGCGGCCTCCTGGCCTTCGCCAAACGCCGCAACTGCTGCATTGGCTGCCGCACAG[T>C]GCTCAGCCACCAGGGTGAGCGGCCCTGGCCACTGGGCCCCCACTGGCCCTCAACCTGCTC-3'
Protein context (NP_002682.2, residues 1008-1028): RRNCCIGCRT[Val1018Ala]LSHQGAVCEF

ClinVar aggregate classification (germline): Uncertain significance. Review status: criteria provided, multiple submitters, no conflicts (2 of 4 stars). 2 submissions from 2 submitters: Uncertain significance (2). Last evaluated 2024-03-14.

Conditions:
POLD1-related polyposis and colorectal cancer syndrome (CRCS10). Also called: Colorectal cancer 10; COLORECTAL CANCER, SUSCEPTIBILITY TO, ON CHROMOSOME 19q; Colorectal cancer, susceptibility to, 10. Identifiers: Orphanet 220460, MedGen C2675481, MONDO:0012953, OMIM 612591.
Hereditary cancer-predisposing syndrome. Also called: Neoplastic Syndromes, Hereditary; Tumor predisposition; Hereditary Cancer Syndrome; Hereditary neoplastic syndrome. Identifiers: Orphanet 140162, MedGen C0027672, MeSH D009386, MONDO:0015356.

Allele frequency attached by ClinVar (database versions not stated): gnomAD exomes below 0.00001.
gnomAD v4.1: 1 of 1,539,494 alleles (0.000065%); no homozygotes.

Submissions (2):

Ambry Genetics
Classification: Uncertain significance for Hereditary cancer-predisposing syndrome. Last evaluated: 2024-03-14. Review status: criteria provided, single submitter. Criteria: Ambry Variant Classification Scheme 2023. Collection method: clinical testing. Allele origin: germline.
Comment: The p.V1018A variant (also known as c.3053T>C), located in coding exon 23 of the POLD1 gene, results from a T to C substitution at nucleotide position 3053. The valine at codon 1018 is replaced by alanine, an amino acid with similar properties. This amino acid position is conserved. In addition, this alteration is predicted to be tolerated by in silico analysis. Since supporting evidence is limited at this time, the clinical significance of this alteration remains unclear.

Labcorp Genetics (formerly Invitae), Labcorp
Classification: Uncertain significance for POLD1-related polyposis and colorectal cancer syndrome. Last evaluated: 2023-10-04. Review status: criteria provided, single submitter. Criteria: Invitae Variant Classification Sherloc (09022015). Collection method: clinical testing. Allele origin: germline.
Comment: This sequence change replaces valine, which is neutral and non-polar, with alanine, which is neutral and non-polar, at codon 1018 of the POLD1 protein (p.Val1018Ala). This variant is not present in population databases (gnomAD no frequency). This variant has not been reported in the literature in individuals affected with POLD1-related conditions. ClinVar contains an entry for this variant (Variation ID: 1524098). Advanced modeling of protein sequence and biophysical properties (such as structural, functional, and spatial information, amino acid conservation, physicochemical variation, residue mobility, and thermodynamic stability) performed at Invitae indicates that this missense variant is not expected to disrupt POLD1 protein function. In summary, the available evidence is currently insufficient to determine the role of this variant in disease. Therefore, it has been classified as a Variant of Uncertain Significance.